The following is an entry in ClinVar:

NM_145166.4(ZBTB47):c.1737+5G>A

Gene: ZBTB47 (zinc finger and BTB domain containing 47; plus strand). Cytogenetic location: 3p22.1.
Variant type: single nucleotide variant.
Coding change: c.1737+5G>A on transcript NM_145166.4 (MANE Select); 5 bases into the intron after coding-DNA position 1737, G replaced by A.
Molecular consequence: intron variant.
Genome position (GRCh38, 1-based): chr3:42,663,132, G>A. VCF-style: chr3-42663132-G-A. GRCh37 (hg19) VCF-style: chr3-42704624-G-A.
Other names: c.1821+5G>A (NM_001410746.1).
Identifiers: ClinVar variation 4282058 (VCV004282058.1).

ClinVar aggregate classification (germline): Uncertain significance (1 of 4 stars; one submission).

Submission:

GeneDx
Classification: Uncertain significance. Last evaluated: 2025-04-15. Review status: criteria provided, single submitter. Criteria: GeneDx Variant Classification Process June 2021. Collection method: clinical testing. Allele origin: germline. Affected: yes.
Comment: Not observed at significant frequency in large population cohorts (gnomAD); In silico analysis supports a deleterious effect on splicing; Has not been previously published as pathogenic or benign to our knowledge